The following is an entry in ClinVar:

ClinVar aggregate classification (germline): Uncertain significance (1 of 4 stars; one submission).

Conditions:
Cardiovascular phenotype. Identifiers: MedGen CN230736.

Submission:

Ambry Genetics
Classification: Uncertain significance for Cardiovascular phenotype. Last evaluated: 2022-11-20. Review status: criteria provided, single submitter. Criteria: Ambry Variant Classification Scheme 2023. Collection method: clinical testing. Allele origin: germline.
Comment: The p.A1996D variant (also known as c.5987C>A), located in coding exon 44 of the ABCA1 gene, results from a C to A substitution at nucleotide position 5987. The alanine at codon 1996 is replaced by aspartic acid, an amino acid with dissimilar properties. This amino acid position is conserved. In addition, this alteration is predicted to be deleterious by in silico analysis. Since supporting evidence is limited at this time, the clinical significance of this alteration remains unclear.

NM_005502.4(ABCA1):c.5987C>A (p.Ala1996Asp)

Genes: ABCA1 (ATP binding cassette subfamily A member 1; minus strand), NIPSNAP3B (nipsnap homolog 3B; plus strand). Cytogenetic location: 9q31.1.
Variant type: single nucleotide variant.
Coding change: c.5987C>A on transcript NM_005502.4 (MANE Select); coding-DNA position 5987, C replaced by A.
Protein change: p.Ala1996Asp; replaces alanine 1996 with aspartic acid.
Molecular consequence: missense variant.
Genome position (GRCh38, 1-based): chr9:104,788,508, G>T on the plus strand (C>A on the coding strand, the complement: ABCA1 is on the minus strand). VCF-style: chr9-104788508-G-T. GRCh37 (hg19) VCF-style: chr9-107550789-G-T.
Other names: short protein forms A1996D.
Identifiers: ClinVar variation 2454036 (VCV002454036.2), dbSNP rs866278680, ClinGen allele CA374308151.